The following is an entry in ClinVar:

ClinVar aggregate classification (germline): Uncertain significance. Review status: criteria provided, multiple submitters, no conflicts (2 of 4 stars). 2 submissions from 2 submitters: Uncertain significance (2). Last evaluated 2023-04-27.

Conditions:
Autosomal recessive limb-girdle muscular dystrophy type 2P. Also called: MUSCULAR DYSTROPHY-DYSTROGLYCANOPATHY, LIMB-GIRDLE, DAG1-RELATED; Limb-Girdle Muscular Dystrophy Type 9C; MUSCULAR DYSTROPHY, LIMB-GIRDLE, TYPE 2P. Identifiers: Orphanet 280333, MedGen C4511963, MONDO:0013440, OMIM 613818.
Muscular dystrophy-dystroglycanopathy (congenital with brain and eye anomalies), type A9. Also called: Muscular dystrophy-dystroglycanopathy (congenital with brain and eye anomalies), type a, 9; WALKER-WARBURG SYNDROME OR MUSCLE-EYE BRAIN DISEASE, DAG1-RELATED. Identifiers: Orphanet 370997, Orphanet 899, MedGen C4225291, MONDO:0014683, OMIM 616538.

Allele frequency attached by ClinVar (database versions not stated): TOPMed 0.00001; gnomAD exomes 0.00002; ExAC 0.00003.
gnomAD v4.1: 26 of 1,614,180 alleles (0.0016%); highest among the groups gnomAD compares: South Asian, 0.0044%; no homozygotes.

Submissions (2):

Labcorp Genetics (formerly Invitae), Labcorp
Classification: Uncertain significance for Autosomal recessive limb-girdle muscular dystrophy type 2P; Muscular dystrophy-dystroglycanopathy (congenital with brain and eye anomalies), type A9. Last evaluated: 2023-04-27. Review status: criteria provided, single submitter. Criteria: Invitae Variant Classification Sherloc (09022015). Collection method: clinical testing. Allele origin: germline.
Comment: In summary, the available evidence is currently insufficient to determine the role of this variant in disease. Therefore, it has been classified as a Variant of Uncertain Significance. Advanced modeling of protein sequence and biophysical properties (such as structural, functional, and spatial information, amino acid conservation, physicochemical variation, residue mobility, and thermodynamic stability) performed at Invitae indicates that this missense variant is not expected to disrupt DAG1 protein function. ClinVar contains an entry for this variant (Variation ID: 497370). This variant has not been reported in the literature in individuals affected with DAG1-related conditions. This variant is present in population databases (rs767905225, gnomAD 0.004%). This sequence change replaces tyrosine, which is neutral and polar, with cysteine, which is neutral and slightly polar, at codon 524 of the DAG1 protein (p.Tyr524Cys).

Eurofins Ntd Llc (ga)
Classification: Uncertain significance. Last evaluated: 2016-10-17. Review status: criteria provided, single submitter. Criteria: EGL Classification Definitions 2015. Collection method: clinical testing. Allele origin: germline. Observed: 1 variant allele, 1 heterozygote.

NM_004393.6(DAG1):c.1571A>G (p.Tyr524Cys)

Gene: DAG1 (dystroglycan 1; plus strand). Cytogenetic location: 3p21.31.
Variant type: single nucleotide variant.
Coding change: c.1571A>G on transcript NM_004393.6 (MANE Select); coding-DNA position 1571, A replaced by G.
Protein change: p.Tyr524Cys; replaces tyrosine 524 with cysteine.
Molecular consequence: missense variant.
Genome position (GRCh38, 1-based): chr3:49,532,082, A>G. VCF-style: chr3-49532082-A-G. GRCh37 (hg19) VCF-style: chr3-49569515-A-G.
Other names: c.1571A>G, p.Tyr524Cys (NM_001165928.4, NM_001177634.3, NM_001177635.3 and 9 more transcripts); short protein forms Y524C.
Identifiers: ClinVar variation 497370 (VCV000497370.9), dbSNP rs767905225, ClinGen allele CA2399106.
Genomic context (GRCh38, chr3:49,532,082, plus strand): 5'-ACAGGGTAGATGCCTGGGTTGGCACCTACTTTGAGGTGAAGATCCCGTCAGACACTTTCT[A>G]TGACCATGAGGACACCACCACTGACAAGCTGAAGCTGACCCTGAAACTGCGGGAGCAGCA-3'
Protein context (NP_004384.5, residues 514-534): FEVKIPSDTF[Tyr524Cys]DHEDTTTDKL